The following is an entry in ClinVar:

NM_004380.3(CREBBP):c.5706_5707del (p.Pro1903fs)

Gene: CREBBP (CREB binding lysine acetyltransferase; minus strand). Cytogenetic location: 16p13.3.
Variant type: Deletion.
Coding change: c.5706_5707del on transcript NM_004380.3 (MANE Select); coding-DNA positions 5706 to 5707, 2 bases deleted (GC; older notation c.5706_5707delGC).
Protein change: p.Pro1903fs; shifts the reading frame from proline 1903.
Molecular consequence: frameshift variant.
Genome position (GRCh38, 1-based): chr16:3,729,340-3,729,341, GC deleted on the plus strand (GC on the coding strand, the reverse complement: CREBBP is on the minus strand); deleting any 2 consecutive bases within chr16:3,729,340-3,729,342 gives the same sequence; the c. name uses the placement nearest the transcript's 3' end. VCF-style (leftmost placement, unchanged base first): chr16-3729339-GGC-G. GRCh37 (hg19) VCF-style: chr16-3779340-GGC-G.
Other names: c.5592_5593del, p.Pro1865fs (NM_001079846.1); short protein forms P1865fs, P1903fs.
Identifiers: ClinVar variation 4291872 (VCV004291872.1).
Genomic context (GRCh38, chr16:3,729,339, plus strand): 5'-CTGGGGAAGCCAGCTGGTGACATGCTCACGGGTGAGGGTTGGGGCTGGGCAGGGGGCTGC[GGC>G]GTCTGGGGTGTGCTGGGCTGCTGTGTGGGGGTCCCGGGCGGTGCTGAGGTAGGAGAAGGC-3'

ClinVar aggregate classification (germline): Likely pathogenic (1 of 4 stars; one submission).

Conditions:
Rubinstein-Taybi syndrome due to CREBBP mutations (RSTS1). Also called: BROAD THUMBS AND GREAT TOES, CHARACTERISTIC FACIES, AND IMPAIRED INTELLECTUAL DEVELOPMENT; RUBINSTEIN-TAYBI SYNDROME 1, INCOMPLETE; BROAD THUMB-HALLUX SYNDROME; Rubinstein-Taybi syndrome 1; CREBBP-Related Rubinstein-Taybi Syndrome; RUBINSTEIN SYNDROME. Identifiers: Orphanet 353277, Orphanet 783, MedGen C4551859, MONDO:0008393, OMIM 180849.

Submission:

3billion
Classification: Likely pathogenic for Rubinstein-Taybi syndrome due to CREBBP mutations. Last evaluated: 2025-01-09. Review status: criteria provided, single submitter. Criteria: ACMG Guidelines, 2015. Collection method: clinical testing. Allele origin: germline. Affected: yes.
Comment: The variant is not observed in the gnomAD v4.1.0 dataset. Predicted Consequence/Location: Frameshift: predicted to result in a loss or disruption of normal protein function through protein truncation. The predicted truncated protein may be shortened by more than 10%. Therefore, this variant is classified as Likely pathogenic according to the recommendation of ACMG/AMP guideline.